The following is an entry in ClinVar:

ClinVar aggregate classification (germline): Uncertain significance (1 of 4 stars; one submission).

Submission:

Labcorp Genetics (formerly Invitae), Labcorp
Classification: Uncertain significance. Last evaluated: 2022-03-02. Review status: criteria provided, single submitter. Criteria: Invitae Variant Classification Sherloc (09022015). Collection method: clinical testing. Allele origin: germline.
Comment: This sequence change replaces threonine, which is neutral and polar, with isoleucine, which is neutral and non-polar, at codon 285 of the SEMA4A protein (p.Thr285Ile). This variant is not present in population databases (gnomAD no frequency). This variant has not been reported in the literature in individuals affected with SEMA4A-related conditions. Algorithms developed to predict the effect of missense changes on protein structure and function are either unavailable or do not agree on the potential impact of this missense change (SIFT: "Deleterious"; PolyPhen-2: "Probably Damaging"; Align-GVGD: "Class C15"). In summary, the available evidence is currently insufficient to determine the role of this variant in disease. Therefore, it has been classified as a Variant of Uncertain Significance.

NM_022367.4(SEMA4A):c.854C>T (p.Thr285Ile)

Gene: SEMA4A (semaphorin 4A; plus strand). Cytogenetic location: 1q22.
Variant type: single nucleotide variant.
Coding change: c.854C>T on transcript NM_022367.4 (MANE Select); coding-DNA position 854, C replaced by T.
Protein change: p.Thr285Ile; replaces threonine 285 with isoleucine.
Molecular consequence: missense variant.
Genome position (GRCh38, 1-based): chr1:156,161,389, C>T. VCF-style: chr1-156161389-C-T. GRCh37 (hg19) VCF-style: chr1-156131180-C-T.
Other names: c.854C>T, p.Thr285Ile (NM_001193300.2, NM_001193301.2, NM_001370567.1); c.458C>T, p.Thr153Ile (NM_001193302.2); c.557C>T, p.Thr186Ile (NM_001370568.1); c.347C>T, p.Thr116Ile (NM_001370569.1, NM_001370571.1); short protein forms T186I, T153I, T116I, T285I.
Identifiers: ClinVar variation 1380206 (VCV001380206.6), dbSNP rs1653640055, ClinGen allele CA342839167.